The following is an entry in ClinVar:

NM_000089.4(COL1A2):c.1464G>T (p.Glu488Asp)

Gene: COL1A2 (collagen type I alpha 2 chain; plus strand). Cytogenetic location: 7q21.3.
Variant type: single nucleotide variant.
Coding change: c.1464G>T on transcript NM_000089.4 (MANE Select); coding-DNA position 1464, G replaced by T.
Protein change: p.Glu488Asp; replaces glutamic acid 488 with aspartic acid.
Molecular consequence: missense variant.
Genome position (GRCh38, 1-based): chr7:94,412,643, G>T. VCF-style: chr7-94412643-G-T. GRCh37 (hg19) VCF-style: chr7-94041955-G-T.
Other names: short protein forms E488D.
Identifiers: ClinVar variation 863042 (VCV000863042.18), dbSNP rs148802548, ClinGen allele CA4347068.
Genomic context (GRCh38, chr7:94,412,643, plus strand): 5'-GGGCCTCCCTGGCATCGACGGCAGGCCTGGCCCAATTGGCCCAGCTGGAGCAAGAGGAGA[G>T]CCTGGCAACATTGGATTCCCTGGACCCAAAGGCCCCACTGTAAGAATCACCACAACTTTC-3'
Protein context (NP_000080.2, residues 478-498): GPIGPAGARG[Glu488Asp]PGNIGFPGPK

ClinVar aggregate classification (germline): Uncertain significance. Review status: criteria provided, multiple submitters, no conflicts (2 of 4 stars). 3 submissions from 3 submitters: Uncertain significance (3). Last evaluated 2026-03-03.

Conditions:
Osteogenesis imperfecta type I (OI1). Also called: Lobstein's Disease; Classic Non-deforming Osteogenesis Imperfecta with Blue Sclerae; Lobstein disease; OI, TYPE I; OSTEOGENESIS IMPERFECTA TARDA; OSTEOGENESIS IMPERFECTA WITH BLUE SCLERAE. Identifiers: Orphanet 216796, Orphanet 666, MedGen C0023931, MONDO:0008146, OMIM 166200. Disease mechanism: loss of function.
Ehlers-Danlos syndrome, classic type, 1 (EDSCL1). Also called: Ehlers-Danlos syndrome, type 1; Ehlers-Danlos Syndrome, Classic Type, COL5A1-Related; EDS I; EHLERS-DANLOS SYNDROME, GRAVIS TYPE; EHLERS-DANLOS SYNDROME, SEVERE CLASSIC TYPE. Identifiers: MedGen C0268335, MONDO:0019567, OMIM 130000.
Cardiovascular phenotype. Identifiers: MedGen CN230736.

Allele frequency attached by ClinVar (database versions not stated): gnomAD 0.00011 and 0.00013; ESP Exome Variant Server 0.00008; ExAC 0.00001; TOPMed 0.00012.
gnomAD v4.1: 28 of 1,613,984 alleles (0.0017%); highest among the groups gnomAD compares: African/African-American, 0.036%; no homozygotes.

Submissions (3):

Ambry Genetics
Classification: Uncertain significance for Cardiovascular phenotype. Last evaluated: 2026-03-03. Review status: criteria provided, single submitter. Criteria: Ambry Variant Classification Scheme 2023. Collection method: clinical testing. Allele origin: germline.
Comment: The c.1464G>T (p.E488D) alteration is located in exon 25 (coding exon 25) of the COL1A2 gene. This alteration results from a G to T substitution at nucleotide position 1464, causing the glutamic acid (E) at amino acid position 488 to be replaced by an aspartic acid (D). Based on data from gnomAD, the T allele has an overall frequency of 0.003% (9/282284) total alleles studied. The highest observed frequency was 0.032% (8/24938) of African alleles. Based on insufficient or conflicting evidence, the clinical significance of this alteration remains unclear.

Labcorp Genetics (formerly Invitae), Labcorp
Classification: Uncertain significance for Osteogenesis imperfecta type I; Ehlers-Danlos syndrome, classic type, 1. Last evaluated: 2024-12-18. Review status: criteria provided, single submitter. Criteria: Invitae Variant Classification Sherloc (09022015). Collection method: clinical testing. Allele origin: germline.
Comment: This sequence change replaces glutamic acid, which is acidic and polar, with aspartic acid, which is acidic and polar, at codon 488 of the COL1A2 protein (p.Glu488Asp). This variant is present in population databases (rs148802548, gnomAD 0.03%). This variant has not been reported in the literature in individuals affected with COL1A2-related conditions. ClinVar contains an entry for this variant (Variation ID: 863042). Invitae Evidence Modeling of protein sequence and biophysical properties (such as structural, functional, and spatial information, amino acid conservation, physicochemical variation, residue mobility, and thermodynamic stability) has been performed for this missense variant. However, the output from this modeling did not meet the statistical confidence thresholds required to predict the impact of this variant on COL1A2 protein function. In summary, the available evidence is currently insufficient to determine the role of this variant in disease. Therefore, it has been classified as a Variant of Uncertain Significance.

GeneDx
Classification: Uncertain significance. Last evaluated: 2024-02-28. Review status: criteria provided, single submitter. Criteria: GeneDx Variant Classification Process June 2021. Collection method: clinical testing. Allele origin: germline. Affected: yes.
Comment: Has not been previously published as pathogenic or benign to our knowledge; In silico analysis supports that this missense variant does not alter protein structure/function; Occurs in the triple helical domain at the X position in the canonical Gly-X-Y repeat; although this variant may have an effect on normal protein folding and function, missense substitution at the X position is not a common mechanism of disease (HGMD)